The following is an entry in ClinVar:

ClinVar aggregate classification (germline): Uncertain significance (1 of 4 stars; one submission).

Conditions:
Common variable immunodeficiency (CVID). Also called: Common variable hypogamma-globulinemia; Common variable agammaglobulinemia. Identifiers: Orphanet 1572, MedGen C0009447, MONDO:0015517.

Allele frequency attached by ClinVar (database versions not stated): gnomAD exomes 0.00001 and 0.00003; ExAC 0.00005.
gnomAD v4.1: 17 of 1,611,130 alleles (0.0011%); highest among the groups gnomAD compares: South Asian, 0.011%; 1 homozygote.

Submission:

Labcorp Genetics (formerly Invitae), Labcorp
Classification: Uncertain significance for Common variable immunodeficiency. Last evaluated: 2025-05-12. Review status: criteria provided, single submitter. Criteria: Invitae Variant Classification Sherloc (09022015). Collection method: clinical testing. Allele origin: germline.
Comment: This sequence change replaces arginine, which is basic and polar, with tryptophan, which is neutral and slightly polar, at codon 99 of the TNFSF12 protein (p.Arg99Trp). This variant is present in population databases (rs748479475, gnomAD 0.02%). This variant has not been reported in the literature in individuals affected with TNFSF12-related conditions. ClinVar contains an entry for this variant (Variation ID: 1423383). An algorithm developed to predict the effect of missense changes on protein structure and function (PolyPhen-2) suggests that this variant is likely to be disruptive. In summary, the available evidence is currently insufficient to determine the role of this variant in disease. Therefore, it has been classified as a Variant of Uncertain Significance.

NM_003809.3(TNFSF12):c.295C>T (p.Arg99Trp)

Genes: TNFSF12 (TNF superfamily member 12; plus strand), TNFSF12-TNFSF13 (TNFSF12-TNFSF13 readthrough; plus strand). Cytogenetic location: 17p13.1.
Variant type: single nucleotide variant.
Coding change: c.295C>T on transcript NM_003809.3 (MANE Select); coding-DNA position 295, C replaced by T.
Protein change: p.Arg99Trp; replaces arginine 99 with tryptophan.
Molecular consequence: missense variant. On other transcripts: non-coding transcript variant (1).
Genome position (GRCh38, 1-based): chr17:7,550,810, C>T. VCF-style: chr17-7550810-C-T. GRCh37 (hg19) VCF-style: chr17-7454127-C-T.
Other names: c.295C>T, p.Arg99Trp (NM_172089.4); short protein forms R99W.
Identifiers: ClinVar variation 1423383 (VCV001423383.6), dbSNP rs748479475, ClinGen allele CA8350761.